The following is an entry in ClinVar:

NM_001206744.2(TPO):c.1585_1587delinsCTC (p.Leu529=)

Gene: TPO (thyroid peroxidase; plus strand). Cytogenetic location: 2p25.3.
Variant type: Indel.
Coding change: c.1585_1587delinsCTC on transcript NM_001206744.2 (MANE Select); coding-DNA positions 1585 to 1587, TTA replaced by CTC.
Protein change: p.Leu529=; no amino-acid change (leucine 529 retained).
Molecular consequence: synonymous variant.
Genome position (GRCh38, 1-based): chr2:1,484,842-1,484,844, TTA replaced by CTC. VCF-style: chr2-1484842-TTA-CTC. GRCh37 (hg19) VCF-style: chr2-1488614-TTA-CTC.
Other names: c.1585_1587delinsCTC, p.Leu529= (NM_000547.6, NM_001206745.2, NM_175719.4 and 1 more transcripts); c.1066_1068delinsCTC, p.Leu356= (NM_175722.3).
Identifiers: ClinVar variation 4874616 (VCV004874616.3).

ClinVar aggregate classification (germline): Benign/Likely benign. Review status: criteria provided, multiple submitters, no conflicts (2 of 4 stars). 2 submissions from 2 submitters: Benign (1); Likely benign (1). Last evaluated 2026-07-01.

Submissions (2):

CeGaT Center for Human Genetics Tuebingen
Classification: Likely benign. Last evaluated: 2026-07-01. Review status: criteria provided, single submitter. Criteria: CeGaT Center For Human Genetics Tuebingen Variant Classification Criteria Version 2. Collection method: clinical testing. Allele origin: germline. Affected: yes. Observed: 1 variant allele.
Comment: TPO: PM2:Supporting, BP4, BP7

Women's Health and Genetics/Laboratory Corporation of America, LabCorp
Classification: Benign. Last evaluated: 2026-06-05. Review status: criteria provided, single submitter. Criteria: LabCorp Variant Classification Summary - May 2015. Collection method: clinical testing. Allele origin: germline.
Comment: Variant summary: TPO c.1585_1587delinsCTC alters a conserved nucleotide resulting in a synonymous change. Consensus agreement among computation tools predict no significant impact on normal splicing. However, these predictions have yet to be confirmed by functional studies. The variant allele was found at a frequency of 0.0031 in 1613848 control chromosomes, predominantly at a frequency of 0.055 within the African or African-American subpopulation in the gnomAD database, including 106 homozygotes. The observed variant frequency within African or African-American control individuals in the gnomAD database exceeds the estimated maximal expected allele frequency for disease-causing variants in TPO. To our knowledge, no occurrence of c.1585_1587delinsCTC in individuals affected with TPO-related conditions and no experimental evidence demonstrating its impact on protein function have been reported. No submitters have cited clinical-significance assessments for this variant to ClinVar. Based on the evidence outlined above, the variant was classified as benign.